The following is an entry in ClinVar:

NM_006218.4(PIK3CA):c.2657A>G (p.Lys886Arg)

Gene: PIK3CA (phosphatidylinositol-4,5-bisphosphate 3-kinase catalytic subunit alpha; plus strand). Cytogenetic location: 3q26.32.
Variant type: single nucleotide variant.
Coding change: c.2657A>G on transcript NM_006218.4 (MANE Select); coding-DNA position 2657, A replaced by G.
Protein change: p.Lys886Arg; replaces lysine 886 with arginine.
Molecular consequence: missense variant.
Genome position (GRCh38, 1-based): chr3:179,229,433, A>G. VCF-style: chr3-179229433-A-G. GRCh37 (hg19) VCF-style: chr3-178947221-A-G.
Other names: short protein forms K886R.
Identifiers: ClinVar variation 1794393 (VCV001794393.2), dbSNP rs1454761759, ClinGen allele CA355278964.

ClinVar aggregate classification (germline): Uncertain significance (1 of 4 stars; one submission).

Conditions:
Inborn genetic diseases. Identifiers: MedGen C0950123, MeSH D030342.

Allele frequency attached by ClinVar (database versions not stated): gnomAD 0.00001.
gnomAD v4.1: 1 of 1,610,520 alleles (0.000062%); highest among the groups gnomAD compares: African/African-American, 0.0013%; no homozygotes.

Submission:

Ambry Genetics
Classification: Uncertain significance for Inborn genetic diseases. Last evaluated: 2022-03-24. Review status: criteria provided, single submitter. Criteria: Ambry Variant Classification Scheme 2023. Collection method: clinical testing. Allele origin: germline.
Comment: The p.K886R variant (also known as c.2657A>G), located in coding exon 17 of the PIK3CA gene, results from an A to G substitution at nucleotide position 2657. The lysine at codon 886 is replaced by arginine, an amino acid with highly similar properties. This amino acid position is conserved. In addition, this alteration is predicted to be tolerated by in silico analysis. Since supporting evidence is limited at this time, the clinical significance of this alteration remains unclear.